The following is an entry in ClinVar:

NM_000268.4(NF2):c.1570G>A (p.Glu524Lys)

Gene: NF2 (NF2, moesin-ezrin-radixin like (MERLIN) tumor suppressor; plus strand). Cytogenetic location: 22q12.2.
Variant type: single nucleotide variant.
Coding change: c.1570G>A on transcript NM_000268.4 (MANE Select); coding-DNA position 1570, G replaced by A.
Protein change: p.Glu524Lys; replaces glutamic acid 524 with lysine.
Molecular consequence: missense variant. On other transcripts: non-coding transcript variant (1), intron variant (1).
Genome position (GRCh38, 1-based): chr22:29,678,319, G>A. VCF-style: chr22-29678319-G-A. GRCh37 (hg19) VCF-style: chr22-30074308-G-A.
Other names: c.1456G>A, p.Glu486Lys (NM_001407053.1, NM_001407056.1); c.1447G>A, p.Glu483Lys (NM_001407054.1, NM_001407058.1, NM_181829.3); c.1444G>A, p.Glu482Lys (NM_001407055.1, NM_181828.3); c.1435G>A, p.Glu479Lys (NM_001407057.1, NM_001407059.1); c.1570G>A, p.Glu524Lys (NM_001407060.1, NM_001407066.1, NM_016418.5 and 2 more transcripts); c.1312G>A, p.Glu438Lys (NM_001407062.1); c.1321G>A, p.Glu441Lys (NM_001407063.1, NM_001407064.1, NM_181830.3 and 1 more transcripts); c.1036G>A, p.Glu346Lys (NM_001407065.1); and 2 more; short protein forms E482K, E483K, E524K, E438K, E479K, E346K, E486K, E441K.
Identifiers: ClinVar variation 3879161 (VCV003879161.1).

ClinVar aggregate classification (germline): Uncertain significance (1 of 4 stars; one submission).

Conditions:
Hereditary cancer-predisposing syndrome. Also called: Tumor predisposition; Neoplastic Syndromes, Hereditary; Hereditary Cancer Syndrome; Hereditary neoplastic syndrome. Identifiers: Orphanet 140162, MedGen C0027672, MeSH D009386, MONDO:0015356.

Submission:

Ambry Genetics
Classification: Uncertain significance for Hereditary cancer-predisposing syndrome. Last evaluated: 2025-01-02. Review status: criteria provided, single submitter. Criteria: Ambry Variant Classification Scheme 2023. Collection method: clinical testing. Allele origin: germline.
Comment: The p.E524K variant (also known as c.1570G>A), located in coding exon 14 of the NF2 gene, results from a G to A substitution at nucleotide position 1570. The glutamic acid at codon 524 is replaced by lysine, an amino acid with similar properties. This amino acid position is highly conserved in available vertebrate species. In addition, the in silico prediction for this alteration is inconclusive. Based on the available evidence, the clinical significance of this variant remains unclear.